The following is an entry in ClinVar:

ClinVar aggregate classification (germline): Uncertain significance (1 of 4 stars; one submission).

Allele frequency attached by ClinVar (database versions not stated): gnomAD exomes 0.00001; gnomAD 0.00002; TOPMed 0.00002.
gnomAD v4.1: 23 of 1,613,552 alleles (0.0014%); highest among the groups gnomAD compares: African/African-American, 0.004%; 1 homozygote.

Submission:

CeGaT Center for Human Genetics Tuebingen
Classification: Uncertain significance. Last evaluated: 2024-05-01. Review status: criteria provided, single submitter. Criteria: CeGaT Center For Human Genetics Tuebingen Variant Classification Criteria Version 2. Collection method: clinical testing. Allele origin: germline. Affected: yes. Observed: 2 variant alleles.
Comment: CTNND2: PM2

NM_001332.4(CTNND2):c.2087C>T (p.Ser696Leu)

Gene: CTNND2 (catenin delta 2; minus strand). Cytogenetic location: 5p15.2.
Variant type: single nucleotide variant.
Coding change: c.2087C>T on transcript NM_001332.4 (MANE Select); coding-DNA position 2087, C replaced by T.
Protein change: p.Ser696Leu; replaces serine 696 with leucine.
Molecular consequence: missense variant. On other transcripts: non-coding transcript variant (1).
Genome position (GRCh38, 1-based): chr5:11,159,648, G>A on the plus strand (C>T on the coding strand, the complement: CTNND2 is on the minus strand). VCF-style: chr5-11159648-G-A. GRCh37 (hg19) VCF-style: chr5-11159760-G-A.
Other names: c.1814C>T, p.Ser605Leu (NM_001288715.1); c.1076C>T, p.Ser359Leu (NM_001288716.1, NM_001364128.2); c.788C>T, p.Ser263Leu (NM_001288717.2); short protein forms S263L, S359L, S605L, S696L.
Identifiers: ClinVar variation 2655298 (VCV002655298.24), dbSNP rs1028155744, ClinGen allele CA114368171.